The following is an entry in ClinVar:

GRCh38/hg38 Xq26.2(chrX:131368904-131826589)x2

Genes: FIRRE (firre intergenic repeating RNA element; minus strand), OR13H1 (olfactory receptor family 13 subfamily H member 1; plus strand), LOC113875010 (Sharpr-MPRA regulatory region 5272; plus strand), LOC113875011 (Sharpr-MPRA regulatory region 4069; plus strand), LOC121627979 (Sharpr-MPRA regulatory region 3295; plus strand) and 24 more. Cytogenetic location: Xq26.2.
Variant type: copy number gain.
Change: copy number 2 of chrX:131,368,904-131,826,589 (457.7 kb, GRCh38 coordinates, 1-based), cytogenetic band Xq26.2.
Identifiers: ClinVar variation 60368 (VCV000060368.1).

ClinVar aggregate classification (germline): Uncertain significance (1 of 4 stars; one submission).

Submission:

ISCA site 15
Classification: Uncertain significance. Last evaluated: 2011-08-12. Review status: criteria provided, single submitter. Criteria: Kaminsky et al. (Genet Med. 2011). Collection method: clinical testing. Allele origin: maternal. Affected: yes. Observed: 1 variant allele.
Comment: Copy number variation identified through the course of routine clinical cytogenomic testing in postnatal populations. Clinical assertions have been curated as described in Kaminsky et al. 2011.